The following is an entry in ClinVar:

ClinVar aggregate classification (germline): Pathogenic (1 of 4 stars; one submission).

Allele frequency attached by ClinVar (database versions not stated): ExAC 0.00001.
gnomAD v4.1: 3 of 1,614,052 alleles (0.00019%); highest among the groups gnomAD compares: South Asian, 0.0011%; no homozygotes.

Submission:

Labcorp Genetics (formerly Invitae), Labcorp
Classification: Pathogenic. Last evaluated: 2023-04-09. Review status: criteria provided, single submitter. Criteria: Invitae Variant Classification Sherloc (09022015). Collection method: clinical testing. Allele origin: germline.
Comment: For these reasons, this variant has been classified as Pathogenic. This variant has not been reported in the literature in individuals affected with UBE3B-related conditions. This variant is present in population databases (rs754321780, gnomAD 0.003%). This sequence change creates a premature translational stop signal (p.Arg913*) in the UBE3B gene. It is expected to result in an absent or disrupted protein product. Loss-of-function variants in UBE3B are known to be pathogenic (PMID: 23687348, 24615390).

Literature cited by the submitters: PubMed 23687348; PubMed 24615390.

NM_130466.4(UBE3B):c.2737C>T (p.Arg913Ter)

Gene: UBE3B (ubiquitin protein ligase E3B; plus strand). Cytogenetic location: 12q24.11.
Variant type: single nucleotide variant.
Coding change: c.2737C>T on transcript NM_130466.4 (MANE Select); coding-DNA position 2737, C replaced by T.
Protein change: p.Arg913Ter; replaces arginine 913 with a stop codon.
Molecular consequence: nonsense.
Genome position (GRCh38, 1-based): chr12:109,529,999, C>T. VCF-style: chr12-109529999-C-T. GRCh37 (hg19) VCF-style: chr12-109967804-C-T.
Other names: c.2737C>T, p.Arg913Ter (NM_183415.3); short protein forms R913*.
Identifiers: ClinVar variation 2910863 (VCV002910863.3), dbSNP rs754321780, ClinGen allele CA6778300.